The following is an entry in ClinVar:

NM_001363118.2(SLC52A2):c.28G>A (p.Val10Met)

Gene: SLC52A2 (solute carrier family 52 member 2; plus strand). Cytogenetic location: 8q24.3.
Variant type: single nucleotide variant.
Coding change: c.28G>A on transcript NM_001363118.2 (MANE Select); coding-DNA position 28, G replaced by A.
Protein change: p.Val10Met; replaces valine 10 with methionine.
Molecular consequence: missense variant.
Genome position (GRCh38, 1-based): chr8:144,359,321, G>A. VCF-style: chr8-144359321-G-A. GRCh37 (hg19) VCF-style: chr8-145582981-G-A.
Other names: c.28G>A, p.Val10Met (NM_001253815.2, NM_001253816.2, NM_001363120.2 and 3 more transcripts); short protein forms V10M.
Identifiers: ClinVar variation 1010102 (VCV001010102.5), dbSNP rs1818662387, ClinGen allele CA372625560.
Genomic context (GRCh38, chr8:144,359,321, plus strand): 5'-GCCCTGACCTGGAAGGGCCCAGCCTTGGGCTGAATGGCAGCACCCACGCCCGCCCGTCCG[G>A]TGCTGACCCACCTGCTGGTGGCTCTCTTCGGCATGGGCTCCTGGGCTGCGGTCAATGGGA-3'
Protein context (NP_001350047.1, residues 1-20): MAAPTPARP[Val10Met]LTHLLVALFG

ClinVar aggregate classification (germline): Uncertain significance (1 of 4 stars; one submission).

Conditions:
Brown-Vialetto-van Laere syndrome 2. Also called: Riboflavin transporter deficiency type 2; SPINOCEREBELLAR ATAXIA WITH BLINDNESS AND DEAFNESS 2. Identifiers: Orphanet 572543, Orphanet 97229, MedGen C3553538, MONDO:0013867, OMIM 614707.

Allele frequency attached by ClinVar (database versions not stated): gnomAD exomes below 0.00001.
gnomAD v4.1: 1 of 1,613,810 alleles (0.000062%); highest among the groups gnomAD compares: Non-Finnish European, 0.000085%; no homozygotes.

Submission:

Labcorp Genetics (formerly Invitae), Labcorp
Classification: Uncertain significance for Brown-Vialetto-van Laere syndrome 2. Last evaluated: 2020-09-24. Review status: criteria provided, single submitter. Criteria: Invitae Variant Classification Sherloc (09022015). Collection method: clinical testing. Allele origin: germline.
Comment: In summary, the available evidence is currently insufficient to determine the role of this variant in disease. Therefore, it has been classified as a Variant of Uncertain Significance. Advanced modeling of protein sequence and biophysical properties (such as structural, functional, and spatial information, amino acid conservation, physicochemical variation, residue mobility, and thermodynamic stability) performed at Invitae indicates that this missense variant is not expected to disrupt SLC52A2 protein function. This variant has not been reported in the literature in individuals with SLC52A2-related conditions. This variant is not present in population databases (ExAC no frequency). This sequence change replaces valine with methionine at codon 10 of the SLC52A2 protein (p.Val10Met). The valine residue is moderately conserved and there is a small physicochemical difference between valine and methionine.